The following is an entry in ClinVar:

ClinVar aggregate classification (germline): Uncertain significance. Review status: criteria provided, multiple submitters, no conflicts (2 of 4 stars). 2 submissions from 2 submitters: Uncertain significance (2). Last evaluated 2025-08-11.

Conditions:
Renal cell carcinoma. Identifiers: Orphanet 217071, MedGen C0007134, MeSH D002292, MONDO:0005086, HP:0005584.
Hereditary cancer-predisposing syndrome. Also called: Neoplastic Syndromes, Hereditary; Tumor predisposition; Hereditary Cancer Syndrome; Hereditary neoplastic syndrome. Identifiers: Orphanet 140162, MedGen C0027672, MeSH D009386, MONDO:0015356.

Submissions (2):

Labcorp Genetics (formerly Invitae), Labcorp
Classification: Uncertain significance for Renal cell carcinoma. Last evaluated: 2025-08-11. Review status: criteria provided, single submitter. Criteria: Invitae Variant Classification Sherloc (09022015). Collection method: clinical testing. Allele origin: germline.
Comment: This sequence change replaces histidine, which is basic and polar, with tyrosine, which is neutral and polar, at codon 396 of the MET protein (p.His396Tyr). Information on the frequency of this variant in the gnomAD database is not available, as this variant may be reported differently in the database. This variant has not been reported in the literature in individuals affected with MET-related conditions. ClinVar contains an entry for this variant (Variation ID: 653295). Experimental studies and prediction algorithms are not available or were not evaluated, and the functional significance of this variant is currently unknown. In summary, the available evidence is currently insufficient to determine the role of this variant in disease. Therefore, it has been classified as a Variant of Uncertain Significance.

Ambry Genetics
Classification: Uncertain significance for Hereditary cancer-predisposing syndrome. Last evaluated: 2024-05-24. Review status: criteria provided, single submitter. Criteria: Ambry Variant Classification Scheme 2023. Collection method: clinical testing. Allele origin: germline.
Comment: The c.1185_1186delGCinsAT variant (also known as p.H396Y), located in coding exon 1 of the MET gene, results from an in-frame deletion of GC and insertion of AT at nucleotide positions 1185 to 1186. This results in the substitution of the histidine residue for a tyrosine residue at codon 396, an amino acid with similar properties. This amino acid position is not well conserved in available vertebrate species. In addition, this alteration is predicted to be neutral by in silico analysis (Choi Y et al. PLoS ONE. 2012; 7(10):e46688). Based on the available evidence, the clinical significance of this variant remains unclear.

NM_000245.4(MET):c.1185_1186delinsAT (p.His396Tyr)

Gene: MET (MET proto-oncogene, receptor tyrosine kinase; plus strand). Cytogenetic location: 7q31.2.
Variant type: Indel.
Coding change: c.1185_1186delinsAT on transcript NM_000245.4 (MANE Select); coding-DNA positions 1185 to 1186, GC replaced by AT.
Protein change: p.His396Tyr; replaces histidine 396 with tyrosine.
Molecular consequence: missense variant. On other transcripts: intron variant (1).
Genome position (GRCh38, 1-based): chr7:116,700,269-116,700,270, GC replaced by AT. VCF-style: chr7-116700269-GC-AT. GRCh37 (hg19) VCF-style: chr7-116340323-GC-AT.
Other names: c.1185_1186delinsAT, p.His396Tyr (NM_001127500.3, NM_001324401.3); c.-91+27692_-91+27693delinsAT (NM_001324402.2); short protein forms H396Y.
Identifiers: ClinVar variation 653295 (VCV000653295.11), dbSNP rs1584878668, ClinGen allele CA915945421.